The following is an entry in ClinVar:

ClinVar aggregate classification (germline): Uncertain significance (1 of 4 stars; one submission).

Conditions:
3-Methylglutaconic aciduria type 2 (BTHS). Also called: CARDIOSKELETAL MYOPATHY WITH NEUTROPENIA AND ABNORMAL MITOCHONDRIA; Barth syndrome. Identifiers: Orphanet 111, MedGen C0574083, MONDO:0010543, OMIM 302060.

Submission:

Labcorp Genetics (formerly Invitae), Labcorp
Classification: Uncertain significance for 3-Methylglutaconic aciduria type 2. Last evaluated: 2022-11-23. Review status: criteria provided, single submitter. Criteria: Invitae Variant Classification Sherloc (09022015). Collection method: clinical testing. Allele origin: germline.
Comment: This variant has not been reported in the literature in individuals affected with TAZ-related conditions. In summary, the available evidence is currently insufficient to determine the role of this variant in disease. Therefore, it has been classified as a Variant of Uncertain Significance. Algorithms developed to predict the effect of sequence changes on RNA splicing suggest that this variant may disrupt the consensus splice site. This variant is not present in population databases (gnomAD no frequency). This sequence change affects codon 183 of the TAZ mRNA. It is a 'silent' change, meaning that it does not change the encoded amino acid sequence of the TAZ protein.

NM_000116.5(TAFAZZIN):c.549G>T (p.Val183=)

Gene: TAFAZZIN (tafazzin, phospholipid-lysophospholipid transacylase; plus strand). Cytogenetic location: Xq28.
Variant type: single nucleotide variant.
Coding change: c.549G>T on transcript NM_000116.5 (MANE Select); coding-DNA position 549, G replaced by T.
Protein change: p.Val183=; no amino-acid change (valine 183 retained).
Molecular consequence: synonymous variant. On other transcripts: non-coding transcript variant (1), intron variant (3).
Genome position (GRCh38, 1-based): chrX:154,419,712, G>T. VCF-style: chrX-154419712-G-T. GRCh37 (hg19) VCF-style: chrX-153648051-G-T.
Other names: c.513G>T, p.Val171= (NM_001410698.1); c.459G>T, p.Val153= (NM_181311.4); c.595+89G>T (NM_001303465.2); c.541+89G>T (NM_181312.4); c.451+89G>T (NM_181313.4).
Identifiers: ClinVar variation 2022315 (VCV002022315.4), dbSNP rs2068574912, ClinGen allele CA519277969.